The following is an entry in ClinVar:

NM_015599.3(PGM3):c.89C>A (p.Thr30Lys)

Gene: PGM3 (phosphoglucomutase 3; minus strand). Cytogenetic location: 6q14.1.
Variant type: single nucleotide variant.
Coding change: c.89C>A on transcript NM_015599.3 (MANE Select); coding-DNA position 89, C replaced by A.
Protein change: p.Thr30Lys; replaces threonine 30 with lysine.
Molecular consequence: missense variant. On other transcripts: non-coding transcript variant (1), intron variant (1).
Genome position (GRCh38, 1-based): chr6:83,190,924, G>T on the plus strand (C>A on the coding strand, the complement: PGM3 is on the minus strand). VCF-style: chr6-83190924-G-T. GRCh37 (hg19) VCF-style: chr6-83900643-G-T.
Other names: c.173C>A, p.Thr58Lys (NM_001199917.2, NM_001367287.1); c.89C>A, p.Thr30Lys (NM_001199919.2, NM_001367286.1); c.-39-2126C>A (NM_001199918.2); short protein forms T30K, T58K.
Identifiers: ClinVar variation 3699080 (VCV003699080.1).

ClinVar aggregate classification (germline): Uncertain significance (1 of 4 stars; one submission).

Conditions:
Immunodeficiency 23 (IMD23). Also called: IMMUNODEFICIENCY WITH HYPER IgE AND COGNITIVE IMPAIRMENT; IMMUNODEFICIENCY-VASCULITIS-MYOCLONUS SYNDROME. Identifiers: Orphanet 443811, MedGen C4014371, MONDO:0014353, OMIM 615816.

gnomAD v4.1: 29 of 1,614,088 alleles (0.0018%); highest among the groups gnomAD compares: Non-Finnish European, 0.0025%; no homozygotes.

Submission:

Labcorp Genetics (formerly Invitae), Labcorp
Classification: Uncertain significance for Immunodeficiency 23. Last evaluated: 2024-07-03. Review status: criteria provided, single submitter. Criteria: Invitae Variant Classification Sherloc (09022015). Collection method: clinical testing. Allele origin: germline.
Comment: This sequence change replaces threonine, which is neutral and polar, with lysine, which is basic and polar, at codon 58 of the PGM3 protein (p.Thr58Lys). This variant is present in population databases (rs767476579, gnomAD 0.003%). This variant has not been reported in the literature in individuals affected with PGM3-related conditions. An algorithm developed to predict the effect of missense changes on protein structure and function (PolyPhen-2) suggests that this variant¬†is likely to be tolerated. In summary, the available evidence is currently insufficient to determine the role of this variant in disease. Therefore, it has been classified as a Variant of Uncertain Significance.